The following is an entry in ClinVar:

NM_000535.7(PMS2):c.1318C>T (p.Pro440Ser)

Gene: PMS2 (PMS1 homolog 2, mismatch repair system component; minus strand). Cytogenetic location: 7p22.1.
Variant type: single nucleotide variant.
Coding change: c.1318C>T on transcript NM_000535.7 (MANE Select); coding-DNA position 1318, C replaced by T.
Protein change: p.Pro440Ser; replaces proline 440 with serine.
Molecular consequence: missense variant. On other transcripts: non-coding transcript variant (1), intron variant (1).
Genome position (GRCh38, 1-based): chr7:5,987,447, G>A on the plus strand (C>T on the coding strand, the complement: PMS2 is on the minus strand). VCF-style: chr7-5987447-G-A. GRCh37 (hg19) VCF-style: chr7-6027078-G-A.
Other names: c.385C>T, p.Pro129Ser (NM_001322011.2, NM_001322012.2); c.745C>T, p.Pro249Ser (NM_001322013.2, NM_001406909.1); c.1318C>T, p.Pro440Ser (NM_001322014.2, NM_001406871.1, NM_001406872.1); c.1009C>T, p.Pro337Ser (NM_001322015.2, NM_001406881.1, NM_001406882.1 and 5 more transcripts); c.1504C>T, p.Pro502Ser (NM_001406866.1); c.1342C>T, p.Pro448Ser (NM_001406868.1); c.1210C>T, p.Pro404Ser (NM_001406869.1); c.1162C>T, p.Pro388Ser (NM_001406870.1, NM_001322006.2); and 13 more; short protein forms P249S, P253S, P318S, P328S, P448S, P502S, P269S, P282S.
Identifiers: ClinVar variation 2844399 (VCV002844399.3), dbSNP rs762894051, ClinGen allele CA366742345.
Genomic context (GRCh38, chr7:5,987,447, plus strand): 5'-CTGAAGTGCTAGAAGACAGCATACCCCTTTTCTGTCCTAGAGGGCTCCTTCTTGGTTCTG[G>A]AGTCTTTGGGCTGTGAGGCTTGTTCTCTGTTGTGTGACGAAGAGAAAAGGCCTCTCGCAG-3'
Protein context (NP_000526.2, residues 430-450): TENKPHSPKT[Pro440Ser]EPRRSPLGQK

ClinVar aggregate classification (germline): Uncertain significance (1 of 4 stars; one submission).

Conditions:
Hereditary nonpolyposis colorectal neoplasms. Identifiers: MedGen C0009405, MeSH D003123.

Submission:

Labcorp Genetics (formerly Invitae), Labcorp
Classification: Uncertain significance for Hereditary nonpolyposis colorectal neoplasms. Last evaluated: 2023-03-09. Review status: criteria provided, single submitter. Criteria: Invitae Variant Classification Sherloc (09022015). Collection method: clinical testing. Allele origin: germline.
Comment: This sequence change replaces proline, which is neutral and non-polar, with serine, which is neutral and polar, at codon 440 of the PMS2 protein (p.Pro440Ser). This variant is not present in population databases (gnomAD no frequency). This variant has not been reported in the literature in individuals affected with PMS2-related conditions. Advanced modeling of protein sequence and biophysical properties (such as structural, functional, and spatial information, amino acid conservation, physicochemical variation, residue mobility, and thermodynamic stability) performed at Invitae indicates that this missense variant is not expected to disrupt PMS2 protein function. In summary, the available evidence is currently insufficient to determine the role of this variant in disease. Therefore, it has been classified as a Variant of Uncertain Significance.